The following is an entry in ClinVar:

NM_174936.4(PCSK9):c.1839T>C (p.His613=)

Gene: PCSK9 (proprotein convertase subtilisin/kexin type 9; plus strand). Cytogenetic location: 1p32.3.
Variant type: single nucleotide variant.
Coding change: c.1839T>C on transcript NM_174936.4 (MANE Select); coding-DNA position 1839, T replaced by C.
Protein change: p.His613=; no amino-acid change (histidine 613 retained).
Molecular consequence: synonymous variant. On other transcripts: non-coding transcript variant (8).
Genome position (GRCh38, 1-based): chr1:55,061,532, T>C. VCF-style: chr1-55061532-T-C. GRCh37 (hg19) VCF-style: chr1-55527205-T-C.
Other names: c.1962T>C, p.His654= (NM_001407240.1); c.1881T>C, p.His627= (NM_001407241.1); c.1842T>C, p.His614= (NM_001407242.1); c.1782T>C, p.His594= (NM_001407243.1); c.1665T>C, p.His555= (NM_001407244.1); c.1647T>C, p.His549= (NM_001407245.1); c.1464T>C, p.His488= (NM_001407246.1); c.1338T>C, p.His446= (NM_001407247.1).
Identifiers: ClinVar variation 922140 (VCV000922140.15), dbSNP rs767139884, ClinGen allele CA039007.
Genomic context (GRCh38, chr1:55,061,532, plus strand): 5'-GGCCAGCATCCACGCTTCCTGCTGCCATGCCCCAGGTCTGGAATGCAAAGTCAAGGAGCA[T>C]GGAATCCCGGCCCCTCAGGAGCAGGTGAAGAGGCCCGTGAGGCCGGGTGGGTGGGGTGCT-3'
Protein context (NP_777596.2, residues 603-623): APGLECKVKE[His613=]GIPAPQEQVT

ClinVar aggregate classification (germline): Likely benign. Review status: criteria provided, multiple submitters, no conflicts (2 of 4 stars). 4 submissions from 4 submitters: Likely benign (4). Last evaluated 2025-02-27.

Conditions:
Cardiovascular phenotype. Identifiers: MedGen CN230736.
Familial hypercholesterolemia. Also called: Familial hypercholesterolemias; Familial hypercholesterolaemia. Identifiers: MedGen C0020445, MONDO:0005439.
Hypercholesterolemia, autosomal dominant, 3 (FHCL3). Also called: Familial hypercholesterolemia 3; Familial Hypercholesterolemia, Autosomal Dominant, 3; PCSK9-Related Familial Hypercholesterolemia, Autosomal Dominant. Identifiers: MedGen C1863551, MONDO:0011369, OMIM 603776.

Allele frequency attached by ClinVar (database versions not stated): TOPMed below 0.00001; gnomAD 0.00001; gnomAD exomes 0.00001 and 0.00002; ExAC 0.00002.
gnomAD v4.1: 24 of 1,601,256 alleles (0.0015%); highest among the groups gnomAD compares: Non-Finnish European, 0.0019%; no homozygotes.

Submissions (4):

Labcorp Genetics (formerly Invitae), Labcorp
Classification: Likely benign for Hypercholesterolemia, autosomal dominant, 3. Last evaluated: 2025-02-27. Review status: criteria provided, single submitter. Criteria: Invitae Variant Classification Sherloc (09022015). Collection method: clinical testing. Allele origin: germline.

All of Us Research Program, National Institutes of Health
Classification: Likely benign for Hypercholesterolemia, autosomal dominant, 3. Last evaluated: 2024-08-23. Review status: criteria provided, single submitter. Criteria: ACMG Guidelines, 2015. Collection method: clinical testing. Allele origin: germline. Inheritance: Autosomal dominant inheritance. Observed: 2 variant alleles, 2 heterozygotes.
Comment: This study involves interpretation of variants in research participants for the purpose of population health screening. Participant phenotype was not available at the time of variant classification. Additional details can be found in publication PMID: 35346344, PMCID: PMC8962531

Ambry Genetics
Classification: Likely benign for Cardiovascular phenotype. Last evaluated: 2021-11-04. Review status: criteria provided, single submitter. Criteria: Ambry Variant Classification Scheme 2023. Collection method: clinical testing. Allele origin: germline.

Color Diagnostics, LLC DBA Color Health
Classification: Likely benign for Familial hypercholesterolemia. Last evaluated: 2019-09-09. Review status: criteria provided, single submitter. Criteria: ACMG Guidelines, 2015. Collection method: clinical testing. Allele origin: germline.